The following is an entry in ClinVar:

ClinVar aggregate classification (germline): Uncertain significance (1 of 4 stars; one submission).

Conditions:
CEP164-related disorder. Also called: CEP164-related condition.

Submission:

PreventionGenetics, part of Exact Sciences
Classification: Uncertain significance for CEP164-related condition. Last evaluated: 2025-07-22. Review status: criteria provided, single submitter. Criteria: ACMG Guidelines, 2015. Collection method: clinical testing. Allele origin: germline.
Comment: The CEP164 c.534G>C variant is predicted to result in the amino acid substitution p.Gln178His. To our knowledge, this variant has not been reported in the literature or in a large population database (gnomAD), indicating this variant is rare. At this time, the clinical significance of this variant is uncertain due to the absence of conclusive functional and genetic evidence.

NM_014956.5(CEP164):c.534G>C (p.Gln178His)

Gene: CEP164 (centrosomal protein 164; plus strand). Cytogenetic location: 11q23.3.
Variant type: single nucleotide variant.
Coding change: c.534G>C on transcript NM_014956.5 (MANE Select); coding-DNA position 534, G replaced by C.
Protein change: p.Gln178His; replaces glutamine 178 with histidine.
Molecular consequence: missense variant.
Genome position (GRCh38, 1-based): chr11:117,361,975, G>C. VCF-style: chr11-117361975-G-C. GRCh37 (hg19) VCF-style: chr11-117232691-G-C.
Other names: c.534G>C, p.Gln178His (NM_001440971.1, NM_001440972.1, NM_001440973.1 and 36 more transcripts); c.396G>C, p.Gln132His (NM_001440960.1); short protein forms Q132H, Q178H.
Identifiers: ClinVar variation 5000798 (VCV005000798.1).